The following is an entry in ClinVar:

NM_014014.5(SNRNP200):c.485G>A (p.Gly162Asp)

Gene: SNRNP200 (small nuclear ribonucleoprotein U5 subunit 200; minus strand). Cytogenetic location: 2q11.2.
Variant type: single nucleotide variant.
Coding change: c.485G>A on transcript NM_014014.5 (MANE Select); coding-DNA position 485, G replaced by A.
Protein change: p.Gly162Asp; replaces glycine 162 with aspartic acid.
Molecular consequence: missense variant.
Genome position (GRCh38, 1-based): chr2:96,301,613, C>T on the plus strand (G>A on the coding strand, the complement: SNRNP200 is on the minus strand). VCF-style: chr2-96301613-C-T. GRCh37 (hg19) VCF-style: chr2-96967351-C-T.
Other names: short protein forms G162D.
Identifiers: ClinVar variation 2829302 (VCV002829302.3), dbSNP rs2063952828, ClinGen allele CA347688063.
Genomic context (GRCh38, chr2:96,301,613, plus strand): 5'-TAGTCTGTGATCTTTTTGCCCAGGTTCACTAGCACATGGTATCTGGTATCATCTGTTTGA[C>T]CCAGCAGCAGGTCAATCTCCTTTCGCCTTTCCTTGTCCCGCAGCTTTTCATTCTTTAGAA-3'
Protein context (NP_054733.2, residues 152-172): ERRKEIDLLL[Gly162Asp]QTDDTRYHVL

ClinVar aggregate classification (germline): Uncertain significance (1 of 4 stars; one submission).

Submission:

Labcorp Genetics (formerly Invitae), Labcorp
Classification: Uncertain significance. Last evaluated: 2023-01-16. Review status: criteria provided, single submitter. Criteria: Invitae Variant Classification Sherloc (09022015). Collection method: clinical testing. Allele origin: germline.
Comment: In summary, the available evidence is currently insufficient to determine the role of this variant in disease. Therefore, it has been classified as a Variant of Uncertain Significance. Algorithms developed to predict the effect of missense changes on protein structure and function (SIFT, PolyPhen-2, Align-GVGD) all suggest that this variant is likely to be tolerated. This variant has not been reported in the literature in individuals affected with SNRNP200-related conditions. This variant is not present in population databases (gnomAD no frequency). This sequence change replaces glycine, which is neutral and non-polar, with aspartic acid, which is acidic and polar, at codon 162 of the SNRNP200 protein (p.Gly162Asp).